The following is an entry in ClinVar:

NM_000059.4(BRCA2):c.194del (p.Pro65fs)

Gene: BRCA2 (BRCA2 DNA repair associated; plus strand). Cytogenetic location: 13q13.1.
Variant type: Deletion.
Coding change: c.194del on transcript NM_000059.4 (MANE Select); coding-DNA position 194, one base deleted (C; older notation c.194delC).
Protein change: p.Pro65fs; shifts the reading frame from proline 65.
Molecular consequence: frameshift variant.
Genome position (GRCh38, 1-based): chr13:32,319,203, C deleted; the last of 2 consecutive C bases (chr13:32,319,202-32,319,203); deleting either gives the same sequence. VCF-style (leftmost placement, unchanged base first): chr13-32319201-TC-T. GRCh37 (hg19) VCF-style: chr13-32893338-TC-T.
Other names: c.194delC (NM_000059.3); short protein forms P65fs.
Identifiers: ClinVar variation 660043 (VCV000660043.11), dbSNP rs1593882605, ClinGen allele CA915946929.

ClinVar aggregate classification (germline): Pathogenic (1 of 4 stars; one submission).

Conditions:
Hereditary breast ovarian cancer syndrome. Also called: BRCA1- and BRCA2-Associated Hereditary Breast and Ovarian Cancer; Hereditary breast and ovarian cancer syndrome; Hereditary breast and ovarian cancer syndrome (HBOC); Hereditary breast and/or ovarian cancer syndrome; Breast and ovarian cancer; Hereditary breast and ovarian cancer. Identifiers: Orphanet 145, MedGen C0677776, MeSH D061325, MONDO:0003582. Disease mechanism: loss of function.

Submission:

Labcorp Genetics (formerly Invitae), Labcorp
Classification: Pathogenic for Hereditary breast ovarian cancer syndrome. Last evaluated: 2025-07-30. Review status: criteria provided, single submitter. Criteria: Invitae Variant Classification Sherloc (09022015). Collection method: clinical testing. Allele origin: germline.
Comment: This sequence change creates a premature translational stop signal (p.Pro65Hisfs*15) in the BRCA2 gene. It is expected to result in an absent or disrupted protein product. Loss-of-function variants in BRCA2 are known to be pathogenic (PMID: 20104584). This variant is not present in population databases (gnomAD no frequency). This premature translational stop signal has been observed in individual(s) with clinical features of BRCA2-related conditions (PMID: 21520333). ClinVar contains an entry for this variant (Variation ID: 660043). Algorithms developed to predict the effect of sequence changes on RNA splicing suggest that this variant may disrupt the consensus splice site. For these reasons, this variant has been classified as Pathogenic.

Literature cited by the submitters: PubMed 20104584; PubMed 21520333.